The following is an entry in ClinVar:

NM_001364905.1(LRBA):c.2849G>T (p.Cys950Phe)

Gene: LRBA (LPS responsive beige-like anchor protein; minus strand). Cytogenetic location: 4q31.3.
Variant type: single nucleotide variant.
Coding change: c.2849G>T on transcript NM_001364905.1 (MANE Select); coding-DNA position 2849, G replaced by T.
Protein change: p.Cys950Phe; replaces cysteine 950 with phenylalanine.
Molecular consequence: missense variant.
Genome position (GRCh38, 1-based): chr4:150,852,861, C>A on the plus strand (G>T on the coding strand, the complement: LRBA is on the minus strand). VCF-style: chr4-150852861-C-A. GRCh37 (hg19) VCF-style: chr4-151774013-C-A.
Other names: p.Cys950Phe; c.2849G>T, p.Cys950Phe (NM_001199282.3, NM_001367550.1, NM_006726.5); short protein forms C950F.
Identifiers: ClinVar variation 828005 (VCV000828005.13), dbSNP rs751947187, ClinGen allele CA3103128.

ClinVar aggregate classification (germline): Uncertain significance. Review status: criteria provided, multiple submitters, no conflicts (2 of 4 stars). 5 submissions from 5 submitters: Uncertain significance (4). 1 of the submissions does not count toward it. Last evaluated 2026-01-06.

Conditions:
Combined immunodeficiency due to LRBA deficiency. Also called: Common variable immunodeficiency 8, with autoimmunity. Identifiers: Orphanet 445018, MedGen C3553512, MONDO:0013863, OMIM 614700.
Inborn genetic diseases. Identifiers: MedGen C0950123, MeSH D030342.

Allele frequency attached by ClinVar (database versions not stated): gnomAD 0.00001 and 0.00002; gnomAD exomes 0.00001 and 0.00003; ExAC 0.00003; TOPMed 0.00003.
gnomAD v4.1: 44 of 1,612,408 alleles (0.0027%); highest among the groups gnomAD compares: East Asian, 0.018%; no homozygotes.

Submissions (5):

Labcorp Genetics (formerly Invitae), Labcorp
Classification: Uncertain significance for Combined immunodeficiency due to LRBA deficiency. Last evaluated: 2026-01-06. Review status: criteria provided, single submitter. Criteria: Invitae Variant Classification Sherloc (09022015). Collection method: clinical testing. Allele origin: germline.
Comment: This sequence change replaces cysteine, which is neutral and slightly polar, with phenylalanine, which is neutral and non-polar, at codon 950 of the LRBA protein (p.Cys950Phe). This variant is present in population databases (rs751947187, gnomAD 0.05%). This variant has not been reported in the literature in individuals affected with LRBA-related conditions. ClinVar contains an entry for this variant (Variation ID: 828005). Invitae Evidence Modeling of protein sequence and biophysical properties (such as structural, functional, and spatial information, amino acid conservation, physicochemical variation, residue mobility, and thermodynamic stability) indicates that this missense variant is not expected to disrupt LRBA protein function with a negative predictive value of 80%. In summary, the available evidence is currently insufficient to determine the role of this variant in disease. Therefore, it has been classified as a Variant of Uncertain Significance.

Blueprint Genetics
Classification: Uncertain significance. Last evaluated: 2024-09-20. Review status: criteria provided, single submitter. Criteria: ACMG Guidelines, 2015. Collection method: clinical testing. Allele origin: germline.

Ambry Genetics
Classification: Uncertain significance for Inborn genetic diseases. Last evaluated: 2024-02-17. Review status: criteria provided, single submitter. Criteria: Ambry Variant Classification Scheme 2023. Collection method: clinical testing. Allele origin: germline.

Center for Genomics, Ann and Robert H. Lurie Children's Hospital of Chicago
Classification: Uncertain significance for Combined immunodeficiency due to LRBA deficiency. Last evaluated: 2021-03-30. Review status: criteria provided, single submitter. Criteria: ACMG Guidelines, 2015. Collection method: clinical testing. Allele origin: germline.
Comment: LRBA NM_006726.4 exon 23 p.Cys950Phe (c.2849G>T): This variant has not been reported in the literature but is present in 0.04% (8/19914) of East Asian alleles in the Genome Aggregation Database. Evolutionary conservation and computational predictive tools suggest that this variant may not impact the protein. In summary, data on this variant is insufficient for disease classification. Therefore, the clinical significance of this variant is uncertain.

Clinical Genomics Laboratory, Stanford Medicine
Classification: Uncertain significance for Combined immunodeficiency due to LRBA deficiency. Last evaluated: 2020-12-24. Review status: no assertion criteria provided. Collection method: clinical testing. Allele origin: germline. Inheritance: Autosomal recessive inheritance. Affected: yes. Observed: 1 heterozygote. Not counted in ClinVar's aggregate classification.
Comment: The p.Cys950Phe variant in the LRBAgene has not been previously reported in association with disease. This variant has been identified in 8/19,914 (0.04%) East Asian chromosomes by the Genome Aggregation Database. Although this variant has been seen in the general population, its frequency is low enough to be consistent with a recessive carrier frequency. Computational tools predict that p.Cys950Phe variant does not impact protein function; however, the accuracy of in silico algorithms is limited.The cysteine at position 950is not evolutionarily conserved and >10 mammalian species have a variant amino acid at this position.These data were assessed using the ACMG/AMP variant interpretation guidelines. In summary, the significance of the p.Cys950Phe variant is uncertain. Additional information is needed to resolve the significance of this variant. [ACMG evidence codes used:PM2]